The following is an entry in ClinVar:

ClinVar aggregate classification (germline): Uncertain significance. Review status: criteria provided, multiple submitters, no conflicts (2 of 4 stars). 2 submissions from 2 submitters: Uncertain significance (2). Last evaluated 2026-02-27.

gnomAD v4.1: 10 of 1,614,076 alleles (0.00062%); highest among the groups gnomAD compares: Admixed American, 0.0033%; no homozygotes.

Submissions (2):

Dasa
Classification: Uncertain significance. Last evaluated: 2026-02-27. Review status: criteria provided, single submitter. Criteria: DASA Assertion Criteria. Collection method: clinical testing. Allele origin: germline.
Comment: NM_002730.4(PRKACA):c.199G>A (p.Gly67Arg) is a missense variant that results in the substitution of glycine with arginine. This variant is rare in population databases. Computational prediction algorithms are consistent with a benign effect. The currently available literature and clinical evidence are not sufficient to establish a definitive association between this variant and the reported condition. Therefore, this variant is classified as a variant of uncertain significance.

Ambry Genetics
Classification: Uncertain significance. Last evaluated: 2024-06-17. Review status: criteria provided, single submitter. Criteria: Ambry Variant Classification Scheme 2023. Collection method: clinical testing. Allele origin: germline.

NM_002730.4(PRKACA):c.199G>A (p.Gly67Arg)

Gene: PRKACA (protein kinase cAMP-activated catalytic subunit alpha; minus strand). Cytogenetic location: 19p13.12.
Variant type: single nucleotide variant.
Coding change: c.199G>A on transcript NM_002730.4 (MANE Select); coding-DNA position 199, G replaced by A.
Protein change: p.Gly67Arg; replaces glycine 67 with arginine.
Molecular consequence: missense variant.
Genome position (GRCh38, 1-based): chr19:14,106,798, C>T on the plus strand (G>A on the coding strand, the complement: PRKACA is on the minus strand). VCF-style: chr19-14106798-C-T. GRCh37 (hg19) VCF-style: chr19-14217610-C-T.
Other names: c.427G>A, p.Gly143Arg (NM_001304349.2); c.175G>A, p.Gly59Arg (NM_207518.3); short protein forms G67R, G143R, G59R.
Identifiers: ClinVar variation 3309934 (VCV003309934.3).